The following is an entry in ClinVar:

NM_001365536.1(SCN9A):c.1607C>T (p.Pro536Leu)

Genes: SCN9A (sodium voltage-gated channel alpha subunit 9; minus strand), SCN1A-AS1 (SCN1A and SCN9A antisense RNA 1; plus strand). Cytogenetic location: 2q24.3.
Variant type: single nucleotide variant.
Coding change: c.1607C>T on transcript NM_001365536.1 (MANE Select); coding-DNA position 1607, C replaced by T.
Protein change: p.Pro536Leu; replaces proline 536 with leucine.
Molecular consequence: missense variant.
Genome position (GRCh38, 1-based): chr2:166,284,820, G>A on the plus strand (C>T on the coding strand, the complement: SCN9A is on the minus strand). VCF-style: chr2-166284820-G-A. GRCh37 (hg19) VCF-style: chr2-167141330-G-A.
Other names: c.1607C>T, p.Pro536Leu (NM_002977.4); short protein forms P536L.
Identifiers: ClinVar variation 1364683 (VCV001364683.8), dbSNP rs2106483868, ClinGen allele CA349083998.
Genomic context (GRCh38, chr2:166,284,820, plus strand): 5'-CTAAAAAGACTTGTTCTGCTGCTTCGCCTTGCAGAAAACAAGGAGCCACGAATGCTGAGT[G>A]GTGACTGCAGAAAAATTAAAAAAAACGTGGTTGCTGAAGCACCTACTGATAGAAGTACAC-3'
Protein context (NP_001352465.1, residues 526-546): EKRLSTPNQS[Pro536Leu]LSIRGSLFSA

ClinVar aggregate classification (germline): Uncertain significance (1 of 4 stars; one submission).

Conditions:
Generalized epilepsy with febrile seizures plus, type 7 (GEFSP7). Also called: GEFS+, TYPE 7. Identifiers: Orphanet 36387, MedGen C2751778, MONDO:0013470, OMIM 613863.
Neuropathy, hereditary sensory and autonomic, type 2A (HSAN2A). Also called: MORVAN DISEASE; ACROOSTEOLYSIS, GIACCAI TYPE; ACROOSTEOLYSIS, NEUROGENIC; NEUROPATHY, CONGENITAL SENSORY; NEUROPATHY, HEREDITARY SENSORY RADICULAR, AUTOSOMAL RECESSIVE; NEUROPATHY, HEREDITARY SENSORY, TYPE IIA. Identifiers: Orphanet 970, MedGen C2752089, MONDO:0024309, OMIM 201300.

Allele frequency attached by ClinVar (database versions not stated): gnomAD exomes below 0.00001.

Submission:

Labcorp Genetics (formerly Invitae), Labcorp
Classification: Uncertain significance for Neuropathy, hereditary sensory and autonomic, type 2A; Generalized epilepsy with febrile seizures plus, type 7. Last evaluated: 2023-07-10. Review status: criteria provided, single submitter. Criteria: Invitae Variant Classification Sherloc (09022015). Collection method: clinical testing. Allele origin: germline.
Comment: Advanced modeling of protein sequence and biophysical properties (such as structural, functional, and spatial information, amino acid conservation, physicochemical variation, residue mobility, and thermodynamic stability) performed at Invitae indicates that this missense variant is not expected to disrupt SCN9A protein function. ClinVar contains an entry for this variant (Variation ID: 1364683). This variant has not been reported in the literature in individuals affected with SCN9A-related conditions. This variant is not present in population databases (gnomAD no frequency). This sequence change replaces proline, which is neutral and non-polar, with leucine, which is neutral and non-polar, at codon 536 of the SCN9A protein (p.Pro536Leu). In summary, the available evidence is currently insufficient to determine the role of this variant in disease. Therefore, it has been classified as a Variant of Uncertain Significance.